The following is an entry in ClinVar:

NM_015021.3(ZNF292):c.2758G>C (p.Gly920Arg)

Gene: ZNF292 (zinc finger protein 292; plus strand). Cytogenetic location: 6q14.3.
Variant type: single nucleotide variant.
Coding change: c.2758G>C on transcript NM_015021.3 (MANE Select); coding-DNA position 2758, G replaced by C.
Protein change: p.Gly920Arg; replaces glycine 920 with arginine.
Molecular consequence: missense variant.
Genome position (GRCh38, 1-based): chr6:87,256,387, G>C. VCF-style: chr6-87256387-G-C. GRCh37 (hg19) VCF-style: chr6-87966105-G-C.
Other names: c.2338G>C, p.Gly780Arg (NM_001351444.2); c.2758G>C (NM_015021.1); short protein forms G780R, G920R.
Identifiers: ClinVar variation 1503146 (VCV001503146.7), dbSNP rs1775214847, ClinGen allele CA364915643.
Genomic context (GRCh38, chr6:87,256,387, plus strand): 5'-ACCAAACAAGACCAGATTTCTGCCTCTGAGCTCAGGCAAGCTAATGGACCATTGTCAAAT[G>C]GTTTGGAAAACCCTGCTACTACTCCTCTACTTCAATCCAGTGAAGTAGCTGTGTCCATTA-3'
Protein context (NP_055836.1, residues 910-930): LRQANGPLSN[Gly920Arg]LENPATTPLL

ClinVar aggregate classification (germline): Uncertain significance. Review status: criteria provided, multiple submitters, no conflicts (2 of 4 stars). 2 submissions from 2 submitters: Uncertain significance (2). Last evaluated 2025-06-09.

Conditions:
ZNF292-related disorder. Also called: ZNF292-related condition.

Allele frequency attached by ClinVar (database versions not stated): TOPMed 0.00001.

Submissions (2):

PreventionGenetics, part of Exact Sciences
Classification: Uncertain significance for ZNF292-related condition. Last evaluated: 2025-06-09. Review status: criteria provided, single submitter. Criteria: ACMG Guidelines, 2015. Collection method: clinical testing. Allele origin: germline.
Comment: The ZNF292 c.2758G>C variant is predicted to result in the amino acid substitution p.Gly920Arg. To our knowledge, this variant has not been reported in the literature or in a large population database (gnomAD), indicating this variant is rare. At this time, the clinical significance of this variant is uncertain due to the absence of conclusive functional and genetic evidence.

Labcorp Genetics (formerly Invitae), Labcorp
Classification: Uncertain significance. Last evaluated: 2022-07-28. Review status: criteria provided, single submitter. Criteria: Invitae Variant Classification Sherloc (09022015). Collection method: clinical testing. Allele origin: germline.
Comment: In summary, the available evidence is currently insufficient to determine the role of this variant in disease. Therefore, it has been classified as a Variant of Uncertain Significance. Algorithms developed to predict the effect of missense changes on protein structure and function are either unavailable or do not agree on the potential impact of this missense change (SIFT: "Tolerated"; PolyPhen-2: "Possibly Damaging"; Align-GVGD: "Class C0"). ClinVar contains an entry for this variant (Variation ID: 1503146). This variant has not been reported in the literature in individuals affected with ZNF292-related conditions. This variant is not present in population databases (gnomAD no frequency). This sequence change replaces glycine, which is neutral and non-polar, with arginine, which is basic and polar, at codon 920 of the ZNF292 protein (p.Gly920Arg).